The following is an entry in ClinVar:

ClinVar aggregate classification (germline): Uncertain significance. Review status: criteria provided, multiple submitters, no conflicts (2 of 4 stars). 2 submissions from 2 submitters: Uncertain significance (2). Last evaluated 2024-02-09.

Conditions:
Hereditary cancer-predisposing syndrome. Also called: Tumor predisposition; Hereditary Cancer Syndrome; Hereditary neoplastic syndrome; Neoplastic Syndromes, Hereditary. Identifiers: Orphanet 140162, MedGen C0027672, MeSH D009386, MONDO:0015356.
Hereditary pheochromocytoma and paraganglioma. Also called: Hereditary paragangliomas and pheochromocytomas; Hereditary Paraganglioma-Pheochromocytoma Syndromes; Hereditary pheochromocytoma-paraganglioma. Identifiers: Orphanet 29072, MedGen C4274332, MONDO:0017366.

Submissions (2):

Labcorp Genetics (formerly Invitae), Labcorp
Classification: Uncertain significance for Hereditary pheochromocytoma and paraganglioma. Last evaluated: 2024-02-09. Review status: criteria provided, single submitter. Criteria: Invitae Variant Classification Sherloc (09022015). Collection method: clinical testing. Allele origin: germline.
Comment: This sequence change replaces proline, which is neutral and non-polar, with leucine, which is neutral and non-polar, at codon 4 of the TMEM127 protein (p.Pro4Leu). This variant is not present in population databases (gnomAD no frequency). This variant has not been reported in the literature in individuals affected with TMEM127-related conditions. ClinVar contains an entry for this variant (Variation ID: 2117449). Experimental studies and prediction algorithms are not available or were not evaluated, and the functional significance of this variant is currently unknown. In summary, the available evidence is currently insufficient to determine the role of this variant in disease. Therefore, it has been classified as a Variant of Uncertain Significance.

Ambry Genetics
Classification: Uncertain significance for Hereditary cancer-predisposing syndrome. Last evaluated: 2023-04-09. Review status: criteria provided, single submitter. Criteria: Ambry Variant Classification Scheme 2023. Collection method: clinical testing. Allele origin: germline.
Comment: The p.P4L variant (also known as c.11C>T), located in coding exon 1 of the TMEM127 gene, results from a C to T substitution at nucleotide position 11. The proline at codon 4 is replaced by leucine, an amino acid with similar properties. This amino acid position is conserved. In addition, the in silico prediction for this alteration is inconclusive. Since supporting evidence is limited at this time, the clinical significance of this alteration remains unclear.

NM_017849.4(TMEM127):c.11C>T (p.Pro4Leu)

Genes: TMEM127 (transmembrane protein 127; minus strand), LOC129934333 (ATAC-STARR-seq lymphoblastoid silent region 11759; plus strand). Cytogenetic location: 2q11.2.
Variant type: single nucleotide variant.
Coding change: c.11C>T on transcript NM_017849.4 (MANE Select); coding-DNA position 11, C replaced by T.
Protein change: p.Pro4Leu; replaces proline 4 with leucine.
Molecular consequence: missense variant.
Genome position (GRCh38, 1-based): chr2:96,265,371, G>A on the plus strand (C>T on the coding strand, the complement: TMEM127 is on the minus strand). VCF-style: chr2-96265371-G-A. GRCh37 (hg19) VCF-style: chr2-96931109-G-A.
Other names: c.11C>T, p.Pro4Leu (NM_001193304.3); short protein forms P4L.
Identifiers: ClinVar variation 2117449 (VCV002117449.6), dbSNP rs2467286352, ClinGen allele CA347656339.